The following is an entry in ClinVar:

ClinVar aggregate classification (germline): Likely pathogenic (1 of 4 stars; one submission).

Conditions:
Autosomal recessive limb-girdle muscular dystrophy type 2J (LGMDR10). Also called: Limb-girdle muscular dystrophy, type 2J; MUSCULAR DYSTROPHY, LIMB-GIRDLE, AUTOSOMAL RECESSIVE 10. Identifiers: Orphanet 140922, MedGen C1837342, MONDO:0012127, OMIM 608807.
Dilated cardiomyopathy 1G (CMD1G). Identifiers: Orphanet 154, MedGen C1858763, MONDO:0011400, OMIM 604145.

Submission:

Labcorp Genetics (formerly Invitae), Labcorp
Classification: Likely pathogenic for Dilated cardiomyopathy 1G; Autosomal recessive limb-girdle muscular dystrophy type 2J. Last evaluated: 2024-08-06. Review status: criteria provided, single submitter. Criteria: Invitae Variant Classification Sherloc (09022015). Collection method: clinical testing. Allele origin: germline.
Comment: This sequence change creates a premature translational stop signal (p.Trp17106*) in the TTN gene. While this is not anticipated to result in nonsense mediated decay, it is expected to create a truncated TTN protein. This variant is not present in population databases (gnomAD no frequency). This variant has not been reported in the literature in individuals affected with TTN-related conditions. This variant is located in the A band of TTN (PMID: 25589632). Truncating variants in this region are significantly overrepresented in patients affected with dilated cardiomyopathy (PMID: 25589632). Truncating variants in this region have also been reported in individuals affected with autosomal recessive centronuclear myopathy (PMID: 23975875). In summary, the currently available evidence indicates that the variant is pathogenic, but additional data are needed to prove that conclusively. Therefore, this variant has been classified as Likely Pathogenic.

Literature cited by the submitters: PubMed 25589632; PubMed 23975875.

NM_001267550.2(TTN):c.51317G>A (p.Trp17106Ter)

Genes: TTN-AS1 (TTN antisense RNA 1; plus strand), TTN (titin; minus strand). Cytogenetic location: 2q31.2.
Variant type: single nucleotide variant.
Coding change: c.51317G>A on transcript NM_001267550.2 (MANE Select); coding-DNA position 51317, G replaced by A.
Protein change: p.Trp17106Ter; replaces tryptophan 17106 with a stop codon.
Molecular consequence: nonsense.
Genome position (GRCh38, 1-based): chr2:178,610,209, C>T on the plus strand (G>A on the coding strand, the complement: TTN is on the minus strand). VCF-style: chr2-178610209-C-T. GRCh37 (hg19) VCF-style: chr2-179474936-C-T.
Other names: c.46394G>A, p.Trp15465Ter (NM_001256850.1); c.24122G>A, p.Trp8041Ter (NM_003319.4); c.43613G>A, p.Trp14538Ter (NM_133378.4); c.24497G>A, p.Trp8166Ter (NM_133432.3); c.24698G>A, p.Trp8233Ter (NM_133437.4); short protein forms W14538*, W15465*, W17106*, W8041*, W8166*, W8233*.
Identifiers: ClinVar variation 3753241 (VCV003753241.2).
Genomic context (GRCh38, chr2:178,610,209, plus strand): 5'-TTGTTGACTGCTTTAACACGGAAGAAGTATTCACCATTTGGTATGAGATCCTTCACAGTC[C>T]ATGACAGTTTGTTCTCACCAGACATGACTGGTATATATGTTCTCCTCCCAGCTTCTCTGC-3'